The following is an entry in ClinVar:

NM_007294.4(BRCA1):c.213-44G>A

Gene: BRCA1 (BRCA1 DNA repair associated; minus strand). Cytogenetic location: 17q21.31.
Variant type: single nucleotide variant.
Coding change: c.213-44G>A on transcript NM_007294.4 (MANE Select); 44 bases into the intron before coding-DNA position 213, G replaced by A.
Molecular consequence: intron variant.
Genome position (GRCh38, 1-based): chr17:43,105,000, C>T on the plus strand (G>A on the coding strand, the complement: BRCA1 is on the minus strand). VCF-style: chr17-43105000-C-T. GRCh37 (hg19) VCF-style: chr17-41257017-C-T.
Other names: c.72-44G>A (NM_001407724.1, NM_001407697.1, NM_001407838.1 and 99 more transcripts); c.135-44G>A (NM_001408415.1, NM_001408475.1, NM_001407875.1 and 21 more transcripts); c.3-44G>A (NM_001408483.1, NM_001407885.1, NM_001407886.1 and 58 more transcripts); c.213-44G>A (NM_001407634.1, NM_001407610.1, NM_001408442.1 and 167 more transcripts); c.-218-10140G>A (NM_001407967.1, NM_001407966.1); c.-169-44G>A (NM_001407959.1, NM_001407962.1, NM_001408512.1 and 4 more transcripts); c.81-44G>A (NM_001408451.1).
Identifiers: ClinVar variation 1325677 (VCV001325677.3), dbSNP rs374257806, ClinGen allele CA055345.
Genomic context (GRCh38, chr17:43,105,000, plus strand): 5'-TACTTTCTTGTAGGCTCCTGAAATTAAATTGTTTGAGAAACACACTCAGCAAGTGATTAT[C>T]AACCTTTTAAGGACACTAAAATAAGAAAAGACATGTAAACAAATAAAAATAAGATGCAGC-3'

ClinVar aggregate classification (germline): Likely benign. Review status: criteria provided, multiple submitters, no conflicts (2 of 4 stars). 2 submissions from 2 submitters: Likely benign (2). Last evaluated 2025-12-29.

Conditions:
Hereditary breast ovarian cancer syndrome. Also called: Hereditary breast and ovarian cancer syndrome; Hereditary breast and ovarian cancer; Hereditary breast and ovarian cancer syndrome (HBOC); BRCA1- and BRCA2-Associated Hereditary Breast and Ovarian Cancer; Hereditary breast and/or ovarian cancer syndrome; Breast and ovarian cancer. Identifiers: Orphanet 145, MedGen C0677776, MeSH D061325, MONDO:0003582. Disease mechanism: loss of function.

Allele frequency attached by ClinVar (database versions not stated): gnomAD exomes below 0.00001 and 0.00002; TOPMed below 0.00001; ExAC 0.00001.
gnomAD v4.1: 17 of 1,500,090 alleles (0.0011%); highest among the groups gnomAD compares: East Asian, 0.0068%; no homozygotes.

Submissions (2):

Center for Genomic Medicine, Rigshospitalet, Copenhagen University Hospital
Classification: Likely benign. Last evaluated: 2025-12-29. Review status: criteria provided, single submitter. Criteria: ACMG Guidelines, 2015. Collection method: clinical testing. Allele origin: germline.
Comment: Classification criteria: BP4+BP7

National Health Laboratory Service, Universitas Academic Hospital and University of the Free State
Classification: Likely benign for Hereditary breast ovarian cancer syndrome. Last evaluated: 2021-11-16. Review status: criteria provided, single submitter. Criteria: ACMG Guidelines, 2015. Collection method: clinical testing. Allele origin: germline. Affected: yes. Observed: 1 variant allele.

Literature cited by the submitters: DOI 10.3389/fgene.2022.834265 (cited by National Health Laboratory Service, Universitas Academic Hospital and University of the Free State).